The following is an entry in ClinVar:

NM_015559.3(SETBP1):c.2654G>T (p.Ser885Ile)

Gene: SETBP1 (SET binding protein 1; plus strand). Cytogenetic location: 18q12.3.
Variant type: single nucleotide variant.
Coding change: c.2654G>T on transcript NM_015559.3 (MANE Select); coding-DNA position 2654, G replaced by T.
Protein change: p.Ser885Ile; replaces serine 885 with isoleucine.
Molecular consequence: missense variant.
Genome position (GRCh38, 1-based): chr18:44,951,994, G>T. VCF-style: chr18-44951994-G-T. GRCh37 (hg19) VCF-style: chr18-42531959-G-T.
Other names: c.2654G>T, p.Ser885Ile (NM_001379141.1, NM_001379142.1, NM_001410862.1); short protein forms S885I.
Identifiers: ClinVar variation 3343429 (VCV003343429.2).

ClinVar aggregate classification (germline): Uncertain significance (1 of 4 stars; one submission).

Submission:

GeneDx
Classification: Uncertain significance. Last evaluated: 2026-02-04. Review status: criteria provided, single submitter. Criteria: GeneDx Variant Classification Process June 2021. Collection method: clinical testing. Allele origin: germline.
Comment: Not observed at significant frequency in large population cohorts (gnomAD); In silico analysis suggests that this missense variant does not alter protein structure/function; Has not been previously published as pathogenic or benign to our knowledge